The following continues an entry in ClinVar:

NM_002437.5(MPV17):c.293C>T (p.Pro98Leu)

Gene: MPV17. ClinVar aggregate classification (germline): Pathogenic/Likely pathogenic. Pathogenic (16); Likely pathogenic (1).

Submissions 13 to 20 of 20:

SIB Swiss Institute of Bioinformatics
Classification: Pathogenic for Mitochondrial DNA depletion syndrome 6 (hepatocerebral type). Last evaluated: 2019-08-13. Review status: criteria provided, single submitter. Criteria: ACMG Guidelines, 2015. Collection method: curation. Allele origin: unknown.
Comment: This variant is interpreted as a Pathogenic for Mitochondrial DNA depletion syndrome 6, autosomal recessive. The following ACMG Tag(s) were applied: PM2, PP3, PS3-Moderate, PM3-Very Strong.

Eurofins Ntd Llc (ga)
Classification: Pathogenic. Last evaluated: 2018-04-19. Review status: criteria provided, single submitter. Criteria: EGL ClinVar v180209 classification definitions. Collection method: clinical testing. Allele origin: germline. Observed: 2 variant alleles, 2 heterozygotes.

Illumina Laboratory Services, Illumina
Classification: Pathogenic for MPV17-Related Disorders. Last evaluated: 2017-04-27. Review status: criteria provided, single submitter. Criteria: ICSL Variant Classification Criteria 09 May 2019. Collection method: clinical testing. Allele origin: germline.
Comment: The MPV17 c.293C>T (p.Pro98Leu) variant has been reported in at least eight studies in which it is found in a total of ten individuals with mitochondrial DNA depletion-related syndromes, including four in a homozygous state (two of whom were siblings) and six in a compound heterozygous state (El-Hattab et al. 2010; Blakely et al. 2012; Uusimaa et al. 2014; Mendelsohn et al. 2014; Bijarnia-Mahay et al. 2014; Harvengt et al. 2014; Kim et al. 2016; Khoda et al. 2016). Mitochondrial DNA was shown to be decreased by 20% in hepatic tissue in one of the compound heterozygous individuals (Khoda et al. 2016). The variant has also been detected in a heterozygous state in four unaffected relatives of probands. Control data are unavailable for this variant which is reported at a frequency of 0.00006 in the European (non-Finnish) population of the Exome Aggregation Consortium. The MPV17 protein functions as a non-selective channel modulating the membrane potential to preserve mitochondrial homeostasis, and functional studies demonstrated that the p.Pro98Leu variant impacts the ability of the channel to close tightly (Antonenkov et al. 2015). Based on the evidence, the p.Pro98Leu variant is classified as pathogenic for MPV17-related disorders. This variant was observed by ICSL as part of a predisposition screen in an ostensibly healthy population.

CENTOGENE GmbH and LLC - Guiding Precision Medicine
Classification: Pathogenic for Mitochondrial DNA depletion syndrome type 6. Review status: criteria provided, single submitter. Criteria: ACMG Guidelines, 2015. Collection method: clinical testing. Allele origin: germline. Affected: yes.

Neuberg Centre For Genomic Medicine, NCGM
Classification: Pathogenic for Charcot-Marie-Tooth disease, axonal, type 2EE. Review status: criteria provided, single submitter. Criteria: ACMG Guidelines, 2015. Collection method: clinical testing. Allele origin: germline. Inheritance: Autosomal recessive inheritance. Affected: yes.

PreventionGenetics, part of Exact Sciences
Classification: Pathogenic for MPV17-related condition. Last evaluated: 2024-03-28. Review status: no assertion criteria provided. Collection method: clinical testing. Allele origin: germline. Not counted in ClinVar's aggregate classification.
Comment: The MPV17 c.293C>T variant is predicted to result in the amino acid substitution p.Pro98Leu. This variant has been reported in the homozygous and compound heterozygous states in individuals with mitochondrial DNA depletion syndrome (Blakely et al. 2012. PubMed ID: 22508010; Bijarnia-Mahay et al. 2014. PubMed ID: 25129007; Uusimaa et al. 2014. PubMed ID: 23714749; Kim et al. 2016. PubMed ID: 27536553; El-Hattab et al. 2010. PubMed ID: 20074988). This variant is reported in 0.016% of alleles in individuals of South Asian descent in gnomAD. This variant is interpreted as pathogenic.

OMIM
Classification: Pathogenic for CHARCOT-MARIE-TOOTH DISEASE, AXONAL, TYPE 2EE. Last evaluated: 2019-04-29. Review status: no assertion criteria provided. Collection method: literature only. Allele origin: germline. Not counted in ClinVar's aggregate classification.

GeneReviews
No classification provided. Condition: Mitochondrial DNA depletion syndrome 6 (hepatocerebral type). Review status: no classification provided. Collection method: literature only. Allele origin: germline. Not counted in ClinVar's aggregate classification.

Literature cited by the submitters: PubMed 22508010 (cited by 7 submitters); PubMed 25129007 (cited by 5 submitters); PubMed 23714749 (cited by 5 submitters); PubMed 27536553 (cited by 4 submitters); PubMed 20074988 (cited by 5 submitters); PubMed 28776642 (cited by Natera, Inc.); PubMed 25861990 (cited by 4 submitters); PubMed 34979697 (cited by Women's Health and Genetics/Laboratory Corporation of America, LabCorp); PubMed 24190800 (cited by SIB Swiss Institute of Bioinformatics and Illumina Laboratory Services, Illumina); PubMed 26741492 (cited by SIB Swiss Institute of Bioinformatics and Illumina Laboratory Services, Illumina); PubMed 29282788 (cited by SIB Swiss Institute of Bioinformatics and GeneReviews); NCBI Bookshelf NBK92947 (cited by GeneReviews).